The following is an entry in ClinVar:

ClinVar aggregate classification (germline): Uncertain significance (1 of 4 stars; one submission).

Allele frequency attached by ClinVar (database versions not stated): TOPMed 0.00005; ESP Exome Variant Server 0.00015; gnomAD 0.00003.
gnomAD v4.1: 12 of 1,607,488 alleles (0.00075%); highest among the groups gnomAD compares: African/African-American, 0.013%; no homozygotes.

Submission:

Labcorp Genetics (formerly Invitae), Labcorp
Classification: Uncertain significance. Last evaluated: 2025-12-01. Review status: criteria provided, single submitter. Criteria: Invitae Variant Classification Sherloc (09022015). Collection method: clinical testing. Allele origin: germline.
Comment: This sequence change creates a premature translational stop signal (p.Gln36*) in the TNNI3K gene. It is expected to result in an absent or disrupted protein product. However, the current clinical and genetic evidence is not sufficient to establish whether loss-of-function variants in TNNI3K cause disease. This variant is present in population databases (rs147478946, gnomAD 0.01%). This variant has not been reported in the literature in individuals affected with TNNI3K-related conditions. ClinVar contains an entry for this variant (Variation ID: 1971776). Algorithms developed to predict the effect of sequence changes on RNA splicing suggest that this variant may disrupt the consensus splice site. In summary, the available evidence is currently insufficient to determine the role of this variant in disease. Therefore, it has been classified as a Variant of Uncertain Significance.

NM_015978.3(TNNI3K):c.106C>T (p.Gln36Ter)

Genes: TNNI3K (TNNI3 interacting kinase; plus strand), FPGT-TNNI3K (FPGT-TNNI3K readthrough; plus strand). Cytogenetic location: 1p31.1.
Variant type: single nucleotide variant.
Coding change: c.106C>T on transcript NM_015978.3 (MANE Select); coding-DNA position 106, C replaced by T.
Protein change: p.Gln36Ter; replaces glutamine 36 with a stop codon.
Molecular consequence: nonsense.
Genome position (GRCh38, 1-based): chr1:74,236,167, C>T. VCF-style: chr1-74236167-C-T. GRCh37 (hg19) VCF-style: chr1-74701851-C-T.
Other names: c.409C>T, p.Gln137Ter (NM_001112808.3, NM_001199327.2); short protein forms Q137*, Q36*.
Identifiers: ClinVar variation 1971776 (VCV001971776.5), dbSNP rs147478946, ClinGen allele CA908758.